The following is an entry in ClinVar:

ClinVar aggregate classification (germline): Uncertain significance (1 of 4 stars; one submission).

Conditions:
Progressive sclerosing poliodystrophy (MTDPS4A). Also called: ALPERS PROGRESSIVE INFANTILE POLIODYSTROPHY; NEURONAL DEGENERATION OF CHILDHOOD WITH LIVER DISEASE, PROGRESSIVE; Alpers Syndrome; ALPERS DIFFUSE DEGENERATION OF CEREBRAL GRAY MATTER WITH HEPATIC CIRRHOSIS; Alpers-Huttenlocher Syndrome; Mitochondrial DNA depletion syndrome 4A (Alpers type). Identifiers: Orphanet 726, MedGen C0205710, MONDO:0008758, OMIM 203700.

Submission:

Labcorp Genetics (formerly Invitae), Labcorp
Classification: Uncertain significance for Progressive sclerosing poliodystrophy. Last evaluated: 2023-07-16. Review status: criteria provided, single submitter. Criteria: Invitae Variant Classification Sherloc (09022015). Collection method: clinical testing. Allele origin: germline.
Comment: Algorithms developed to predict the effect of sequence changes on RNA splicing suggest that this variant may disrupt the consensus splice site. In summary, the available evidence is currently insufficient to determine the role of this variant in disease. Therefore, it has been classified as a Variant of Uncertain Significance. Advanced modeling of protein sequence and biophysical properties (such as structural, functional, and spatial information, amino acid conservation, physicochemical variation, residue mobility, and thermodynamic stability) performed at Invitae indicates that this missense variant is expected to disrupt POLG protein function. This variant has not been reported in the literature in individuals affected with POLG-related conditions. This variant is not present in population databases (gnomAD no frequency). This sequence change replaces glutamic acid, which is acidic and polar, with glycine, which is neutral and non-polar, at codon 416 of the POLG protein (p.Glu416Gly).

NM_002693.3(POLG):c.1247A>G (p.Glu416Gly)

Gene: POLG (DNA polymerase gamma, catalytic subunit; minus strand). Cytogenetic location: 15q26.1.
Variant type: single nucleotide variant.
Coding change: c.1247A>G on transcript NM_002693.3 (MANE Select); coding-DNA position 1247, A replaced by G.
Protein change: p.Glu416Gly; replaces glutamic acid 416 with glycine.
Molecular consequence: missense variant.
Genome position (GRCh38, 1-based): chr15:89,328,459, T>C on the plus strand (A>G on the coding strand, the complement: POLG is on the minus strand). VCF-style: chr15-89328459-T-C. GRCh37 (hg19) VCF-style: chr15-89871690-T-C.
Other names: c.1247A>G, p.Glu416Gly (NM_001126131.2); short protein forms E416G.
Identifiers: ClinVar variation 2729910 (VCV002729910.3), dbSNP rs2509260157, ClinGen allele CA393763945.